The following is an entry in ClinVar:

NM_001063.4(TF):c.416C>T (p.Thr139Met)

Gene: TF (transferrin; plus strand). Cytogenetic location: 3q22.1.
Variant type: single nucleotide variant.
Coding change: c.416C>T on transcript NM_001063.4 (MANE Select); coding-DNA position 416, C replaced by T.
Protein change: p.Thr139Met; replaces threonine 139 with methionine.
Molecular consequence: missense variant.
Genome position (GRCh38, 1-based): chr3:133,754,585, C>T. VCF-style: chr3-133754585-C-T. GRCh37 (hg19) VCF-style: chr3-133473429-C-T.
Other names: c.284C>T, p.Thr95Met (NM_001354703.2); c.35C>T, p.Thr12Met (NM_001354704.2); short protein forms T95M, T139M, T12M.
Identifiers: ClinVar variation 5003952 (VCV005003952.1).

ClinVar aggregate classification (germline): Uncertain significance (1 of 4 stars; one submission).

Conditions:
Atransferrinemia. Also called: Familial hypotransferrinemia. Identifiers: Orphanet 1195, MedGen C0521802, MONDO:0008846, OMIM 209300, HP:0012239.

gnomAD v4.1: 12 of 1,614,148 alleles (0.00074%); highest among the groups gnomAD compares: East Asian, 0.0022%; no homozygotes.

Submission:

Myriad Genetics, Inc.
Classification: Uncertain significance for Atransferrinemia. Last evaluated: 2026-03-01. Review status: criteria provided, single submitter. Criteria: Myriad Autosomal Dominant, Autosomal Recessive and X-Linked Classification Criteria (2023). Collection method: clinical testing. Allele origin: unknown.
Comment: NM_001063.3(TF):c.416C>T(T139M) is a missense variant classified as a variant of uncertain significance in the context of atransferrinemia. T139M has not been observed in cases with relevant disease. Relevant functional assessments of this variant are not available in the literature. T139M has been observed in referenced population frequency databases. In summary, there is insufficient evidence to classify NM_001063.3(TF):c.416C>T(T139M) as pathogenic or benign. Please note: this variant was assessed in the context of healthy population screening.